The following is an entry in ClinVar:

NM_004836.7(EIF2AK3):c.719G>A (p.Arg240His)

Gene: EIF2AK3 (eukaryotic translation initiation factor 2 alpha kinase 3; minus strand). Cytogenetic location: 2p11.2.
Variant type: single nucleotide variant.
Coding change: c.719G>A on transcript NM_004836.7 (MANE Select); coding-DNA position 719, G replaced by A.
Protein change: p.Arg240His; replaces arginine 240 with histidine.
Molecular consequence: missense variant.
Genome position (GRCh38, 1-based): chr2:88,593,320, C>T on the plus strand (G>A on the coding strand, the complement: EIF2AK3 is on the minus strand). VCF-style: chr2-88593320-C-T. GRCh37 (hg19) VCF-style: chr2-88892838-C-T.
Other names: c.266G>A, p.Arg89His (NM_001313915.2); short protein forms R240H, R89H.
Identifiers: ClinVar variation 337419 (VCV000337419.29), dbSNP rs147458427, ClinGen allele CA1754859.
Genomic context (GRCh38, chr2:88,593,320, plus strand): 5'-CTGAATACACACTTCTCATTGCCACTGCGAGGTCCGACAGCTCTAACAGTTTTTTGGGTA[C>T]GCTGTAGAAGCAGGATGTCTTCCTCTTGTTCCATTTCGTCACTATCCCATTGGCGACAAC-3'
Protein context (NP_004827.4, residues 230-250): EQEEDILLLQ[Arg240His]TQKTVRAVGP

ClinVar aggregate classification (germline): Conflicting classifications of pathogenicity. Review status: criteria provided, conflicting classifications (1 of 4 stars). 7 submissions from 7 submitters: Uncertain significance (5); Likely benign (2). Last evaluated 2026-05-19.

Conditions:
Wolcott-Rallison dysplasia. Also called: MED-IDDM SYNDROME; Wolcott-Rallison syndrome. Identifiers: Orphanet 1667, MedGen C0432217, MONDO:0009192, OMIM 226980.
Connective tissue disorder. Also called: Connective tissue disease. Identifiers: MedGen C0009782, MONDO:0003900.
Inborn genetic diseases. Identifiers: MedGen C0950123, MeSH D030342.

Allele frequency attached by ClinVar (database versions not stated): 1000 Genomes Project 30x 0.00016; 1000 Genomes Project 0.00020; gnomAD exomes 0.00050 and 0.00082; ExAC 0.00052; TOPMed 0.00052; ESP Exome Variant Server 0.00054; gnomAD 0.00060 and 0.00062.
gnomAD v4.1: 1,281 of 1,613,986 alleles (0.079%); highest among the groups gnomAD compares: Non-Finnish European, 0.1%; 1 homozygote.

Submissions (7):

Ambry Genetics
Classification: Uncertain significance for Inborn genetic diseases. Last evaluated: 2026-05-19. Review status: criteria provided, single submitter. Criteria: Ambry Variant Classification Scheme 2023. Collection method: clinical testing. Allele origin: germline.
Comment: The c.719G>A (p.R240H) alteration is located in exon 4 (coding exon 4) of the EIF2AK3 gene. This alteration results from a G to A substitution at nucleotide position 719, causing the arginine (R) at amino acid position 240 to be replaced by a histidine (H). Based on data from gnomAD, the A allele has an overall frequency of 0.05% (141/282652) total alleles studied. The highest observed frequency was 0.09% (116/129004) of European (non-Finnish) alleles. Based on insufficient or conflicting evidence, the clinical significance of this alteration remains unclear.

CeGaT Center for Human Genetics Tuebingen
Classification: Likely benign. Last evaluated: 2024-09-01. Review status: criteria provided, single submitter. Criteria: CeGaT Center For Human Genetics Tuebingen Variant Classification Criteria Version 2. Collection method: clinical testing. Allele origin: germline. Affected: yes. Observed: 1 variant allele.
Comment: EIF2AK3: BS1

Fulgent Genetics
Classification: Likely benign for Wolcott-Rallison dysplasia. Last evaluated: 2024-02-29. Review status: criteria provided, single submitter. Criteria: ACMG Guidelines, 2015. Collection method: clinical testing. Allele origin: germline.

Labcorp Genetics (formerly Invitae), Labcorp
Classification: Uncertain significance. Last evaluated: 2022-10-05. Review status: criteria provided, single submitter. Criteria: Invitae Variant Classification Sherloc (09022015). Collection method: clinical testing. Allele origin: germline.
Comment: This sequence change replaces arginine, which is basic and polar, with histidine, which is basic and polar, at codon 240 of the EIF2AK3 protein (p.Arg240His). This variant is present in population databases (rs147458427, gnomAD 0.09%), and has an allele count higher than expected for a pathogenic variant. This variant has not been reported in the literature in individuals affected with EIF2AK3-related conditions. ClinVar contains an entry for this variant (Variation ID: 337419). Algorithms developed to predict the effect of missense changes on protein structure and function are either unavailable or do not agree on the potential impact of this missense change (SIFT: "Deleterious"; PolyPhen-2: "Probably Damaging"; Align-GVGD: "Class C0"). In summary, the available evidence is currently insufficient to determine the role of this variant in disease. Therefore, it has been classified as a Variant of Uncertain Significance.

Department of Pathology and Laboratory Medicine, Sinai Health System
Classification: Uncertain significance for Wolcott-Rallison dysplasia. Last evaluated: 2022-05-24. Review status: criteria provided, single submitter. Criteria: ACMG Guidelines, 2015. Collection method: research. Allele origin: germline.

Genome Diagnostics Laboratory, The Hospital for Sick Children
Classification: Uncertain significance for Connective tissue disorder. Last evaluated: 2021-05-12. Review status: criteria provided, single submitter. Criteria: ACMG Guidelines, 2015. Collection method: clinical testing. Allele origin: germline.

Illumina Laboratory Services, Illumina
Classification: Uncertain significance for Wolcott-Rallison dysplasia. Last evaluated: 2018-01-13. Review status: criteria provided, single submitter. Criteria: ICSL Variant Classification Criteria 13 December 2019. Collection method: clinical testing. Allele origin: germline.